The following is an entry in ClinVar:

NM_005228.5(EGFR):c.3269C>T (p.Pro1090Leu)

Gene: EGFR (epidermal growth factor receptor; plus strand). Cytogenetic location: 7p11.2.
Variant type: single nucleotide variant.
Coding change: c.3269C>T on transcript NM_005228.5 (MANE Select); coding-DNA position 3269, C replaced by T.
Protein change: p.Pro1090Leu; replaces proline 1090 with leucine.
Molecular consequence: missense variant.
Genome position (GRCh38, 1-based): chr7:55,202,623, C>T. VCF-style: chr7-55202623-C-T. GRCh37 (hg19) VCF-style: chr7-55270316-C-T.
Other names: c.3134C>T, p.Pro1045Leu (NM_001346897.2, NM_001346899.2); c.3269C>T, p.Pro1090Leu (NM_001346898.2); c.3110C>T, p.Pro1037Leu (NM_001346900.2); c.2468C>T, p.Pro823Leu (NM_001346941.2); short protein forms P1037L, P1090L, P1045L, P823L.
Identifiers: ClinVar variation 4016709 (VCV004016709.1).

ClinVar aggregate classification (germline): Uncertain significance (1 of 4 stars; one submission).

Conditions:
Hereditary cancer-predisposing syndrome. Also called: Tumor predisposition; Hereditary neoplastic syndrome; Neoplastic Syndromes, Hereditary; Hereditary Cancer Syndrome. Identifiers: Orphanet 140162, MedGen C0027672, MeSH D009386, MONDO:0015356.

Submission:

Ambry Genetics
Classification: Uncertain significance for Hereditary cancer-predisposing syndrome. Last evaluated: 2025-03-28. Review status: criteria provided, single submitter. Criteria: Ambry Variant Classification Scheme 2023. Collection method: clinical testing. Allele origin: germline.
Comment: The p.P1090L variant (also known as c.3269C>T), located in coding exon 27 of the EGFR gene, results from a C to T substitution at nucleotide position 3269. The proline at codon 1090 is replaced by leucine, an amino acid with similar properties. This amino acid position is conserved. In addition, the in silico prediction for this alteration is inconclusive. Based on the available evidence, the clinical significance of this variant remains unclear.